The following is an entry in ClinVar:

ClinVar aggregate classification (germline): Uncertain significance (1 of 4 stars; one submission).

Conditions:
Zellweger spectrum disorders (ZS). Also called: Zellweger syndrome; Zellweger Spectrum Disorder; Zellweger Spectrum; Zellweger Spectrum Disorder (ZSD). Identifiers: Orphanet 912, MedGen C0043459, MONDO:0019609.

Allele frequency attached by ClinVar (database versions not stated): gnomAD exomes below 0.00001.
gnomAD v4.1: 2 of 1,612,182 alleles (0.00012%); highest among the groups gnomAD compares: Non-Finnish European, 0.00017%; no homozygotes.

Submission:

Labcorp Genetics (formerly Invitae), Labcorp
Classification: Uncertain significance for Zellweger spectrum disorders. Last evaluated: 2021-08-20. Review status: criteria provided, single submitter. Criteria: Invitae Variant Classification Sherloc (09022015). Collection method: clinical testing. Allele origin: germline.
Comment: This sequence change replaces valine with alanine at codon 108 of the PEX1 protein (p.Val108Ala). The valine residue is highly conserved and there is a small physicochemical difference between valine and alanine. This variant is not present in population databases (ExAC no frequency). This variant has not been reported in the literature in individuals affected with PEX1-related conditions. Advanced modeling of protein sequence and biophysical properties (such as structural, functional, and spatial information, amino acid conservation, physicochemical variation, residue mobility, and thermodynamic stability) performed at Invitae indicates that this missense variant is expected to disrupt PEX1 protein function. In summary, the available evidence is currently insufficient to determine the role of this variant in disease. Therefore, it has been classified as a Variant of Uncertain Significance.

NM_000466.3(PEX1):c.323T>C (p.Val108Ala)

Gene: PEX1 (peroxisomal biogenesis factor 1; minus strand). Cytogenetic location: 7q21.2.
Variant type: single nucleotide variant.
Coding change: c.323T>C on transcript NM_000466.3 (MANE Select); coding-DNA position 323, T replaced by C.
Protein change: p.Val108Ala; replaces valine 108 with alanine.
Molecular consequence: missense variant. On other transcripts: 5 prime UTR variant (1).
Genome position (GRCh38, 1-based): chr7:92,519,029, A>G on the plus strand (T>C on the coding strand, the complement: PEX1 is on the minus strand). VCF-style: chr7-92519029-A-G. GRCh37 (hg19) VCF-style: chr7-92148343-A-G.
Other names: c.323T>C, p.Val108Ala (NM_001282677.2); c.-337T>C (NM_001282678.2); short protein forms V108A.
Identifiers: ClinVar variation 2193158 (VCV002193158.1), dbSNP rs1188265968, ClinGen allele CA368203048.